The following is an entry in ClinVar:

ClinVar aggregate classification (germline): Uncertain significance (1 of 4 stars; one submission).

Allele frequency attached by ClinVar (database versions not stated): ExAC 0.00002; TOPMed 0.00006; ESP Exome Variant Server 0.00008.
gnomAD v4.1: 19 of 1,613,250 alleles (0.0012%); highest among the groups gnomAD compares: African/African-American, 0.015%; no homozygotes.

Submission:

Mayo Clinic Laboratories, Mayo Clinic
Classification: Uncertain significance. Last evaluated: 2022-05-12. Review status: criteria provided, single submitter. Criteria: ACMG Guidelines, 2015. Collection method: clinical testing. Allele origin: germline. Observed: 1 variant allele.
Comment: BP4

NM_030787.4(CFHR5):c.62C>T (p.Thr21Ile)

Gene: CFHR5 (complement factor H related 5; plus strand). Cytogenetic location: 1q31.3.
Variant type: single nucleotide variant.
Coding change: c.62C>T on transcript NM_030787.4 (MANE Select); coding-DNA position 62, C replaced by T.
Protein change: p.Thr21Ile; replaces threonine 21 with isoleucine.
Molecular consequence: missense variant.
Genome position (GRCh38, 1-based): chr1:196,982,888, C>T. VCF-style: chr1-196982888-C-T. GRCh37 (hg19) VCF-style: chr1-196952018-C-T.
Other names: p.Thr21Ile; short protein forms T21I.
Identifiers: ClinVar variation 2682707 (VCV002682707.1), dbSNP rs377563612, ClinGen allele CA1307624.